The following is an entry in ClinVar:

NM_130384.3(ATRIP):c.1298C>T (p.Ala433Val)

Genes: ATRIP (ATR interacting protein; plus strand), ATRIP-TREX1 (ATRIP-TREX1 readthrough; plus strand). Cytogenetic location: 3p21.31.
Variant type: single nucleotide variant.
Coding change: c.1298C>T on transcript NM_130384.3 (MANE Select); coding-DNA position 1298, C replaced by T.
Protein change: p.Ala433Val; replaces alanine 433 with valine.
Molecular consequence: missense variant. On other transcripts: non-coding transcript variant (1).
Genome position (GRCh38, 1-based): chr3:48,460,352, C>T. VCF-style: chr3-48460352-C-T. GRCh37 (hg19) VCF-style: chr3-48501751-C-T.
Other names: c.1298C>T, p.Ala433Val (NM_032166.4); c.917C>T, p.Ala306Val (NM_001271022.2); c.1019C>T, p.Ala340Val (NM_001271023.2); short protein forms A433V, A340V, A306V.
Identifiers: ClinVar variation 4644523 (VCV004644523.1).

ClinVar aggregate classification (germline): Uncertain significance (1 of 4 stars; one submission).

Submission:

Ambry Genetics
Classification: Uncertain significance. Last evaluated: 2025-10-01. Review status: criteria provided, single submitter. Criteria: Ambry Variant Classification Scheme 2023. Collection method: clinical testing. Allele origin: germline.
Comment: The p.A433V variant (also known as c.1298C>T), located in coding exon 8 of the ATRIP gene, results from a C to T substitution at nucleotide position 1298. The alanine at codon 433 is replaced by valine, an amino acid with similar properties. This amino acid position is conserved. In addition, this alteration is predicted to be tolerated by in silico analysis. Based on the available evidence, the clinical significance of this variant remains unclear.